The following is an entry in ClinVar:

ClinVar aggregate classification (germline): Likely pathogenic (1 of 4 stars; one submission).

Conditions:
Hereditary cancer-predisposing syndrome. Also called: Neoplastic Syndromes, Hereditary; Tumor predisposition; Hereditary Cancer Syndrome; Hereditary neoplastic syndrome. Identifiers: Orphanet 140162, MedGen C0027672, MeSH D009386, MONDO:0015356.

Submission:

Ambry Genetics
Classification: Likely pathogenic for Hereditary cancer-predisposing syndrome. Last evaluated: 2024-06-14. Review status: criteria provided, single submitter. Criteria: Ambry Variant Classification Scheme 2023. Collection method: clinical testing. Allele origin: germline.
Comment: The c.3390-1G>A intronic variant results from a G to A substitution one nucleotide upstream from coding exon 22 of the RAD50 gene. This variant is considered to be rare based on population cohorts in the Genome Aggregation Database (gnomAD). This nucleotide position is highly conserved in available vertebrate species. In silico splice site analysis predicts that this alteration will weaken the native splice acceptor site and may result in the creation or strengthening of a novel splice acceptor site. Alterations that disrupt the canonical splice site are expected to cause aberrant splicing, resulting in an abnormal protein or a transcript that is subject to nonsense-mediated mRNA decay. As such, this alteration is classified as likely pathogenic.

NM_005732.4(RAD50):c.3390-1G>A

Genes: RAD50 (RAD50 double strand break repair protein; plus strand), TH2-LCR (Th2 cytokine locus control region; plus strand), TH2LCRR (T helper type 2 locus control region associated RNA; minus strand). Cytogenetic location: 5q31.1.
Variant type: single nucleotide variant.
Coding change: c.3390-1G>A on transcript NM_005732.4 (MANE Select); the canonical splice acceptor site of the intron before coding-DNA position 3390, G replaced by A.
Molecular consequence: splice acceptor variant.
Genome position (GRCh38, 1-based): chr5:132,637,114, G>A. VCF-style: chr5-132637114-G-A. GRCh37 (hg19) VCF-style: chr5-131972806-G-A.
Identifiers: ClinVar variation 1730900 (VCV001730900.3), dbSNP rs2479424634, ClinGen allele CA360929643.